The following is an entry in ClinVar:

NM_138691.3(TMC1):c.2027T>A (p.Val676Asp)

Gene: TMC1 (transmembrane channel like 1; plus strand). Cytogenetic location: 9q21.13.
Variant type: single nucleotide variant.
Coding change: c.2027T>A on transcript NM_138691.3 (MANE Select); coding-DNA position 2027, T replaced by A.
Protein change: p.Val676Asp; replaces valine 676 with aspartic acid.
Molecular consequence: missense variant.
Genome position (GRCh38, 1-based): chr9:72,826,892, T>A. VCF-style: chr9-72826892-T-A. GRCh37 (hg19) VCF-style: chr9-75441808-T-A.
Other names: short protein forms V676D.
Identifiers: ClinVar variation 1303343 (VCV001303343.10), dbSNP rs764992976, ClinGen allele CA5082128.
Genomic context (GRCh38, chr9:72,826,892, plus strand): 5'-CTTAATAAACTTATCTCCCCCTTTTTAATTCCCCCAGTGGCAAAAATAGAATGTTTGAAG[T>A]CATTGGAGAGACCCTGGAGCACGATTTCCCAAGCTGGATGGCGAAGATCTTGAGACAGCT-3'
Protein context (NP_619636.2, residues 666-686): PFSGKNRMFE[Val676Asp]IGETLEHDFP

ClinVar aggregate classification (germline): Conflicting classifications of pathogenicity. Review status: criteria provided, conflicting classifications (1 of 4 stars). 6 submissions from 6 submitters: Likely pathogenic (2); Uncertain significance (4). Last evaluated 2026-03-24.

Conditions:
Autosomal dominant nonsyndromic hearing loss 36. Identifiers: Orphanet 90635, MedGen C1847626, MONDO:0011708, OMIM 606705.
TMC1-related disorder. Also called: TMC1-related condition; TMC1-related disorders.

Allele frequency attached by ClinVar (database versions not stated): ExAC 0.00002; gnomAD exomes 0.00002 and 0.00008; gnomAD 0.00004 and 0.00005; TOPMed 0.00005.
gnomAD v4.1: 126 of 1,613,906 alleles (0.0078%); highest among the groups gnomAD compares: Non-Finnish European, 0.011%; no homozygotes.

Submissions (6):

PreventionGenetics, part of Exact Sciences
Classification: Uncertain significance for TMC1-related condition. Last evaluated: 2026-03-24. Review status: criteria provided, single submitter. Criteria: ACMG Guidelines, 2015. Collection method: clinical testing. Allele origin: germline.
Comment: The TMC1 c.2027T>A variant is predicted to result in the amino acid substitution p.Val676Asp. This variant was reported along with a second TMC1 variant in three individuals with hearing loss, where in two of those individuals the second variant was likely pathogenic (Table S3, Sloan-Heggen et al. 2016. PubMed ID: 26969326; Table S1, Kim et al. 2021. PubMed ID: 34593925). At PreventionGenetics this variant was observed together with a second TMC1 variant in two unrelated individuals with hearing loss, with the second variants being interpreted as uncertain and pathogenic (internal data). However, in all of these cases phase of the variants was not established. This variant is reported in 0.0039% of alleles in individuals of European (Non-Finnish) descent in gnomAD. Although we suspect that this variant may be pathogenic, at this time, the clinical significance of this variant is uncertain due to the absence of conclusive functional and genetic evidence.

Women's Health and Genetics/Laboratory Corporation of America, LabCorp
Classification: Uncertain significance. Last evaluated: 2025-06-06. Review status: criteria provided, single submitter. Criteria: LabCorp Variant Classification Summary - May 2015. Collection method: clinical testing. Allele origin: germline.
Comment: Variant summary: TMC1 c.2027T>A (p.Val676Asp) results in a non-conservative amino acid change in the encoded protein sequence. Algorithms developed to predict the effect of missense changes on protein structure and function all suggest that this variant is likely to be disruptive. The variant allele was found at a frequency of 1.6e-05 in 251434 control chromosomes. c.2027T>A has been reported in the literature in the compound heterozygous state in individuals affected with Nonsyndromic Hearing Loss And Deafness (e.g. Sloan-Heggen_2016, Kim_2021). These data indicate that the variant may be associated with disease. To our knowledge, no experimental evidence demonstrating an impact on protein function has been reported. The following publications have been ascertained in the context of this evaluation (PMID: 34593925, 26969326). ClinVar contains an entry for this variant (Variation ID: 1303343). Based on the evidence outlined above, the variant was classified as VUS-possibly pathogenic.

Blueprint Genetics
Classification: Uncertain significance. Last evaluated: 2024-10-29. Review status: criteria provided, single submitter. Criteria: ACMG Guidelines, 2015. Collection method: clinical testing. Allele origin: germline.

Laboratoire de Génétique Moléculaire, CHU Bordeaux
Classification: Likely pathogenic for Autosomal dominant nonsyndromic hearing loss 36. Last evaluated: 2024-03-13. Review status: criteria provided, single submitter. Criteria: ACMG Guidelines, 2015. Collection method: clinical testing. Allele origin: germline. Affected: yes.

Labcorp Genetics (formerly Invitae), Labcorp
Classification: Likely pathogenic. Last evaluated: 2023-10-04. Review status: criteria provided, single submitter. Criteria: Invitae Variant Classification Sherloc (09022015). Collection method: clinical testing. Allele origin: germline.
Comment: This sequence change replaces valine, which is neutral and non-polar, with aspartic acid, which is acidic and polar, at codon 676 of the TMC1 protein (p.Val676Asp). This variant is present in population databases (rs764992976, gnomAD 0.004%). This missense change has been observed in individuals with autosomal recessive deafness (PMID: 26969326). ClinVar contains an entry for this variant (Variation ID: 1303343). Advanced modeling of protein sequence and biophysical properties (such as structural, functional, and spatial information, amino acid conservation, physicochemical variation, residue mobility, and thermodynamic stability) performed at Invitae indicates that this missense variant is expected to disrupt TMC1 protein function. Algorithms developed to predict the effect of sequence changes on RNA splicing suggest that this variant may create or strengthen a splice site. In summary, the currently available evidence indicates that the variant is pathogenic, but additional data are needed to prove that conclusively. Therefore, this variant has been classified as Likely Pathogenic.

GeneDx
Classification: Uncertain significance. Last evaluated: 2019-02-05. Review status: criteria provided, single submitter. Criteria: GeneDx Variant Classification Process June 2021. Collection method: clinical testing. Allele origin: germline. Affected: yes.
Comment: In silico analysis, which includes protein predictors and evolutionary conservation, supports a deleterious effect; This variant is associated with the following publications: (PMID: 26969326)

Literature cited by the submitters: PubMed 26969326 (cited by Women's Health and Genetics/Laboratory Corporation of America, LabCorp and Labcorp Genetics (formerly Invitae), Labcorp); PubMed 34593925 (cited by Women's Health and Genetics/Laboratory Corporation of America, LabCorp).